The following is an entry in ClinVar:

ClinVar aggregate classification (germline): Uncertain significance. Review status: criteria provided, multiple submitters, no conflicts (2 of 4 stars). 3 submissions from 3 submitters: Uncertain significance (3). Last evaluated 2023-12-21.

Conditions:
Combined immunodeficiency due to LRBA deficiency. Also called: Common variable immunodeficiency 8, with autoimmunity. Identifiers: Orphanet 445018, MedGen C3553512, MONDO:0013863, OMIM 614700.

Allele frequency attached by ClinVar (database versions not stated): gnomAD exomes 0.00004; ExAC 0.00006; TOPMed 0.00006; ESP Exome Variant Server 0.00008; gnomAD 0.00009.
gnomAD v4.1: 112 of 1,610,772 alleles (0.007%); highest among the groups gnomAD compares: Non-Finnish European, 0.009%; no homozygotes.

Submissions (3):

Labcorp Genetics (formerly Invitae), Labcorp
Classification: Uncertain significance for Combined immunodeficiency due to LRBA deficiency. Last evaluated: 2023-12-21. Review status: criteria provided, single submitter. Criteria: Invitae Variant Classification Sherloc (09022015). Collection method: clinical testing. Allele origin: germline.
Comment: This sequence change replaces isoleucine, which is neutral and non-polar, with methionine, which is neutral and non-polar, at codon 2318 of the LRBA protein (p.Ile2318Met). This variant is present in population databases (rs201643144, gnomAD 0.01%). This variant has not been reported in the literature in individuals affected with LRBA-related conditions. ClinVar contains an entry for this variant (Variation ID: 649962). Algorithms developed to predict the effect of missense changes on protein structure and function output the following: SIFT: "Not Available"; PolyPhen-2: "Possibly Damaging"; Align-GVGD: "Not Available". The methionine amino acid residue is found in multiple mammalian species, which suggests that this missense change does not adversely affect protein function. In summary, the available evidence is currently insufficient to determine the role of this variant in disease. Therefore, it has been classified as a Variant of Uncertain Significance.

Blueprint Genetics
Classification: Uncertain significance. Last evaluated: 2021-10-18. Review status: criteria provided, single submitter. Criteria: ACMG Guidelines, 2015. Collection method: clinical testing. Allele origin: germline.

GeneDx
Classification: Uncertain significance. Last evaluated: 2019-08-28. Review status: criteria provided, single submitter. Criteria: GeneDx Variant Classification Process June 2021. Collection method: clinical testing. Allele origin: germline. Affected: yes.
Comment: Has not been previously published as pathogenic or benign to our knowledge; In silico analysis, which includes protein predictors and evolutionary conservation, supports that this variant does not alter protein structure/function

NM_001364905.1(LRBA):c.6921A>G (p.Ile2307Met)

Gene: LRBA (LPS responsive beige-like anchor protein; minus strand). Cytogenetic location: 4q31.3.
Variant type: single nucleotide variant.
Coding change: c.6921A>G on transcript NM_001364905.1 (MANE Select); coding-DNA position 6921, A replaced by G.
Protein change: p.Ile2307Met; replaces isoleucine 2307 with methionine.
Molecular consequence: missense variant.
Genome position (GRCh38, 1-based): chr4:150,436,724, T>C on the plus strand (A>G on the coding strand, the complement: LRBA is on the minus strand). VCF-style: chr4-150436724-T-C. GRCh37 (hg19) VCF-style: chr4-151357876-T-C.
Other names: c.6921A>G, p.Ile2307Met (NM_001199282.3, NM_001367550.1); c.6954A>G, p.Ile2318Met (NM_006726.5); short protein forms I2307M, I2318M.
Identifiers: ClinVar variation 649962 (VCV000649962.9), dbSNP rs201643144, ClinGen allele CA3101783.